The following is an entry in ClinVar:

NM_001003694.2(BRPF1):c.52A>G (p.Lys18Glu)

Gene: BRPF1 (bromodomain and PHD finger containing 1; plus strand). Cytogenetic location: 3p25.3.
Variant type: single nucleotide variant.
Coding change: c.52A>G on transcript NM_001003694.2 (MANE Select); coding-DNA position 52, A replaced by G.
Protein change: p.Lys18Glu; replaces lysine 18 with glutamic acid.
Molecular consequence: missense variant. On other transcripts: non-coding transcript variant (1).
Genome position (GRCh38, 1-based): chr3:9,734,192, A>G. VCF-style: chr3-9734192-A-G. GRCh37 (hg19) VCF-style: chr3-9775876-A-G.
Other names: c.52A>G, p.Lys18Glu (NM_001319049.2, NM_001319050.2, NM_001410704.1 and 1 more transcripts); short protein forms K18E.
Identifiers: ClinVar variation 3383529 (VCV003383529.1).

ClinVar aggregate classification (germline): Uncertain significance (1 of 4 stars; one submission).

gnomAD v4.1: 1 of 1,613,392 alleles (0.000062%); highest among the groups gnomAD compares: Non-Finnish European, 0.000085%; no homozygotes.

Submission:

GeneDx
Classification: Uncertain significance. Last evaluated: 2024-05-12. Review status: criteria provided, single submitter. Criteria: GeneDx Variant Classification Process June 2021. Collection method: clinical testing. Allele origin: germline. Affected: yes.
Comment: Not observed at significant frequency in large population cohorts (gnomAD); In silico analysis supports that this missense variant has a deleterious effect on protein structure/function; Has not been previously published as pathogenic or benign to our knowledge